The following is an entry in ClinVar:

ClinVar aggregate classification (germline): Uncertain significance (1 of 4 stars; one submission).

Conditions:
Pitt-Hopkins-like syndrome 2 (PTHSL2). Identifiers: Orphanet 221150, Orphanet 600663, MedGen C3280479, MONDO:0013690, OMIM 614325.

Allele frequency attached by ClinVar (database versions not stated): TOPMed below 0.00001; gnomAD 0.00001.
gnomAD v4.1: 1 of 1,609,112 alleles (0.000062%); highest among the groups gnomAD compares: Non-Finnish European, 0.000085%; no homozygotes.

Submission:

Labcorp Genetics (formerly Invitae), Labcorp
Classification: Uncertain significance for Pitt-Hopkins-like syndrome 2. Last evaluated: 2022-07-05. Review status: criteria provided, single submitter. Criteria: Invitae Variant Classification Sherloc (09022015). Collection method: clinical testing. Allele origin: germline.
Comment: In summary, the available evidence is currently insufficient to determine the role of this variant in disease. Therefore, it has been classified as a Variant of Uncertain Significance. Algorithms developed to predict the effect of missense changes on protein structure and function are either unavailable or do not agree on the potential impact of this missense change (SIFT: "Deleterious"; PolyPhen-2: "Possibly Damaging"; Align-GVGD: "Class C15"). ClinVar contains an entry for this variant (Variation ID: 999904). This variant has not been reported in the literature in individuals affected with NRXN1-related conditions. This variant is present in population databases (no rsID available, gnomAD 0.007%). This sequence change replaces phenylalanine, which is neutral and non-polar, with leucine, which is neutral and non-polar, at codon 973 of the NRXN1 protein (p.Phe973Leu).

NM_001330078.2(NRXN1):c.2797T>C (p.Phe933Leu)

Gene: NRXN1 (neurexin 1; minus strand). Cytogenetic location: 2p16.3.
Variant type: single nucleotide variant.
Coding change: c.2797T>C on transcript NM_001330078.2 (MANE Select); coding-DNA position 2797, T replaced by C.
Protein change: p.Phe933Leu; replaces phenylalanine 933 with leucine.
Molecular consequence: missense variant.
Genome position (GRCh38, 1-based): chr2:50,497,415, A>G on the plus strand (T>C on the coding strand, the complement: NRXN1 is on the minus strand). VCF-style: chr2-50497415-A-G. GRCh37 (hg19) VCF-style: chr2-50724553-A-G.
Other names: c.2773T>C, p.Phe925Leu (NM_001330082.2, NM_001330077.2); c.2731T>C, p.Phe911Leu (NM_001330083.2, NM_001330084.2); c.2770T>C, p.Phe924Leu (NM_001330085.2); c.2797T>C, p.Phe933Leu (NM_001330086.2, NM_004801.6); c.2686T>C, p.Phe896Leu (NM_001330087.2, NM_001330096.2); c.2716T>C, p.Phe906Leu (NM_001330088.2); c.2794T>C, p.Phe932Leu (NM_001330093.2); c.2785T>C, p.Phe929Leu (NM_001330094.2); and 2 more; short protein forms F896L, F906L, F911L, F916L, F924L, F925L, F929L, F932L.
Identifiers: ClinVar variation 999904 (VCV000999904.8), dbSNP rs1307799885, ClinGen allele CA346776851.